The following is an entry in ClinVar:

ClinVar aggregate classification (germline): Uncertain significance (1 of 4 stars; one submission).

Conditions:
Gastrointestinal stromal tumor. Also called: Gastrointestinal stroma tumor; Gastrointestinal stromal tumor, somatic. Identifiers: Orphanet 44890, MedGen C0238198, MeSH D046152, MONDO:0011719, OMIM 606764, HP:0100723.

Submission:

Labcorp Genetics (formerly Invitae), Labcorp
Classification: Uncertain significance for Gastrointestinal stromal tumor. Last evaluated: 2022-10-24. Review status: criteria provided, single submitter. Criteria: Invitae Variant Classification Sherloc (09022015). Collection method: clinical testing. Allele origin: germline.
Comment: In summary, the available evidence is currently insufficient to determine the role of this variant in disease. Therefore, it has been classified as a Variant of Uncertain Significance. Algorithms developed to predict the effect of missense changes on protein structure and function (SIFT, PolyPhen-2, Align-GVGD) all suggest that this variant is likely to be tolerated. ClinVar contains an entry for this variant (Variation ID: 528617). This variant has not been reported in the literature in individuals affected with PDGFRA-related conditions. This variant is not present in population databases (gnomAD no frequency). This sequence change replaces serine, which is neutral and polar, with alanine, which is neutral and non-polar, at codon 776 of the PDGFRA protein (p.Ser776Ala).

NM_006206.6(PDGFRA):c.2326T>G (p.Ser776Ala)

Gene: PDGFRA (platelet derived growth factor receptor alpha; plus strand). Cytogenetic location: 4q12.
Variant type: single nucleotide variant.
Coding change: c.2326T>G on transcript NM_006206.6 (MANE Select); coding-DNA position 2326, T replaced by G.
Protein change: p.Ser776Ala; replaces serine 776 with alanine.
Molecular consequence: missense variant.
Genome position (GRCh38, 1-based): chr4:54,285,373, T>G. VCF-style: chr4-54285373-T-G. GRCh37 (hg19) VCF-style: chr4-55151540-T-G.
Other names: c.2401T>G, p.Ser801Ala (NM_001347828.2); c.2326T>G, p.Ser776Ala (NM_001347829.2); c.2365T>G, p.Ser789Ala (NM_001347830.2); short protein forms S776A, S801A, S789A.
Identifiers: ClinVar variation 528617 (VCV000528617.9), dbSNP rs1553905944, ClinGen allele CA356894583.